The following is an entry in ClinVar:

ClinVar aggregate classification (germline): Benign. Review status: criteria provided, multiple submitters, no conflicts (2 of 4 stars). 3 submissions from 3 submitters: Benign (3). Last evaluated 2022-03-24.

Conditions:
Familial visceral amyloidosis, Ostertag type (AMYLD2). Also called: AMYLOIDOSIS VIII; Ostertag type amyloidosis; Familial visceral amyloidosis; Hereditary Renal Amyloidosis; Amyloidosis, hepatic and systemic; AMYLOIDOSIS, HEREDITARY SYSTEMIC 2. Identifiers: Orphanet 85450, MedGen C0268389, MONDO:0007099, OMIM 105200.

Allele frequency attached by ClinVar (database versions not stated): gnomAD exomes 0.03865; ExAC 0.04051; 1000 Genomes Project 0.05331; 1000 Genomes Project 30x 0.05606; gnomAD 0.06303 and 0.06603; TOPMed 0.06980; ESP Exome Variant Server 0.07658.
gnomAD v4.1: 69,657 of 1,614,034 alleles (4.3%); highest among the groups gnomAD compares: African/African-American, 13%; 1,989 homozygotes.

Submissions (3):

Mayo Clinic Laboratories, Mayo Clinic
Classification: Benign. Last evaluated: 2022-03-24. Review status: criteria provided, single submitter. Criteria: ACMG Guidelines, 2015. Collection method: clinical testing. Allele origin: germline. Observed: 7 variant alleles.

Illumina Laboratory Services, Illumina
Classification: Benign for Familial visceral amyloidosis, Ostertag type. Last evaluated: 2018-01-13. Review status: criteria provided, single submitter. Criteria: ICSL Variant Classification Criteria 13 December 2019. Collection method: clinical testing. Allele origin: germline.
Comment: This variant was observed in the ICSL laboratory as part of a predisposition screen in an ostensibly healthy population. It had not been previously curated by ICSL or reported in the Human Gene Mutation Database (HGMD: prior to June 1st, 2018), and was therefore a candidate for classification through an automated scoring system. Utilizing variant allele frequency, disease prevalence and penetrance estimates, and inheritance mode, an automated score was calculated to assess if this variant is too frequent to cause the disease. Based on the score and internal cut-off values, a variant classified as benign is not then subjected to further curation. The score for this variant resulted in a classification of benign for this disease.

Breakthrough Genomics
Classification: Benign. Review status: criteria provided, single submitter. Criteria: ACMG Guidelines, 2015. Collection method: not provided. Allele origin: germline. Inheritance: Autosomal dominant inheritance. Affected: yes.

NM_000239.3(LYZ):c.-1C>T

Gene: LYZ (lysozyme; plus strand). Cytogenetic location: 12q15.
Variant type: single nucleotide variant.
Coding change: c.-1C>T on transcript NM_000239.3 (MANE Select); 1 bases upstream of the start codon, C replaced by T.
Molecular consequence: 5 prime UTR variant.
Genome position (GRCh38, 1-based): chr12:69,348,408, C>T. VCF-style: chr12-69348408-C-T. GRCh37 (hg19) VCF-style: chr12-69742188-C-T.
Identifiers: ClinVar variation 310329 (VCV000310329.7), dbSNP rs513342, ClinGen allele CA6679686.